The following is an entry in ClinVar:

NM_001042492.3(NF1):c.2991-7T>C

Gene: NF1 (neurofibromin 1; plus strand). Cytogenetic location: 17q11.2.
Variant type: single nucleotide variant.
Coding change: c.2991-7T>C on transcript NM_001042492.3 (MANE Select); 7 bases into the intron before coding-DNA position 2991, T replaced by C.
Molecular consequence: intron variant.
Genome position (GRCh38, 1-based): chr17:31,230,253, T>C. VCF-style: chr17-31230253-T-C. GRCh37 (hg19) VCF-style: chr17-29557271-T-C.
Other names: c.2991-7T>C (NM_000267.4).
Identifiers: ClinVar variation 2815999 (VCV002815999.4), dbSNP rs2151431455, ClinGen allele CA2733616747.

ClinVar aggregate classification (germline): Conflicting classifications of pathogenicity. Review status: criteria provided, conflicting classifications (1 of 4 stars). 2 submissions from 2 submitters: Uncertain significance (1); Likely benign (1). Last evaluated 2025-02-28.

Conditions:
Neurofibromatosis, type 1 (NF1). Also called: VON RECKLINGHAUSEN DISEASE; Peripheral type neurofibromatosis; Neurofibromatosis, type I; NEUROFIBROMATOSIS, TYPE I, SOMATIC. Identifiers: Orphanet 636, MedGen C0027831, MONDO:0018975, OMIM 162200. Disease mechanism: loss of function.

Submissions (2):

GeneDx
Classification: Uncertain significance. Last evaluated: 2025-02-28. Review status: criteria provided, single submitter. Criteria: GeneDx Variant Classification Process June 2021. Collection method: clinical testing. Allele origin: germline. Affected: yes.
Comment: Not observed at significant frequency in large population cohorts (gnomAD); In silico analysis indicates that this variant does not alter splicing; Has not been previously published as pathogenic or benign to our knowledge

Labcorp Genetics (formerly Invitae), Labcorp
Classification: Likely benign for Neurofibromatosis, type 1. Last evaluated: 2024-05-09. Review status: criteria provided, single submitter. Criteria: Invitae Variant Classification Sherloc (09022015). Collection method: clinical testing. Allele origin: germline.